The following is an entry in ClinVar:

ClinVar aggregate classification (germline): Uncertain significance (1 of 4 stars; one submission).

Conditions:
Mucopolysaccharidosis, MPS-III-C (MPS3C). Also called: SANFILIPPO SYNDROME C; MPS III C; Mucopolysaccharidosis type IIIC (Sanfilippo C); mucopolysaccharidosis type 3C; MUCOPOLYSACCHARIDOSIS, TYPE IIIC; MPS IIIC (Sanfilippo Syndrome Type C). Identifiers: Orphanet 581, Orphanet 79271, MedGen C0086649, MONDO:0009657, OMIM 252930.
Retinitis pigmentosa 73 (RP73). Identifiers: Orphanet 791, MedGen C4225287, MONDO:0014687, OMIM 616544.

Submission:

Labcorp Genetics (formerly Invitae), Labcorp
Classification: Uncertain significance for Retinitis pigmentosa 73; Mucopolysaccharidosis, MPS-III-C. Last evaluated: 2025-03-17. Review status: criteria provided, single submitter. Criteria: Invitae Variant Classification Sherloc (09022015). Collection method: clinical testing. Allele origin: germline.
Comment: This sequence change falls in intron 3 of the HGSNAT gene. It does not directly change the encoded amino acid sequence of the HGSNAT protein. It affects a nucleotide within the consensus splice site. This variant is not present in population databases (gnomAD no frequency). This variant has not been reported in the literature in individuals affected with HGSNAT-related conditions. Variants that disrupt the consensus splice site are a relatively common cause of aberrant splicing (PMID: 17576681, 9536098). Algorithms developed to predict the effect of sequence changes on RNA splicing suggest that this variant may disrupt the consensus splice site. In summary, the available evidence is currently insufficient to determine the role of this variant in disease. Therefore, it has been classified as a Variant of Uncertain Significance.

Literature cited by the submitters: PubMed 17576681; PubMed 9536098.

NM_152419.3(HGSNAT):c.371+5G>A

Gene: HGSNAT (heparan-alpha-glucosaminide N-acetyltransferase; plus strand). Cytogenetic location: 8p11.21.
Variant type: single nucleotide variant.
Coding change: c.371+5G>A on transcript NM_152419.3 (MANE Select); 5 bases into the intron after coding-DNA position 371, G replaced by A.
Molecular consequence: intron variant.
Genome position (GRCh38, 1-based): chr8:43,158,716, G>A. VCF-style: chr8-43158716-G-A. GRCh37 (hg19) VCF-style: chr8-43013859-G-A.
Other names: c.371+5G>A (NM_001363227.2, NM_001363228.2); c.-463+5G>A (NM_001363229.2).
Identifiers: ClinVar variation 3763709 (VCV003763709.2).
Genomic context (GRCh38, chr8:43,158,716, plus strand): 5'-CAGCACGGATCTATCCTGCAGCTGAACGACACCTTGGAAGAGAAAGAAGTTTGTAGGTTT[G>A]TGCCTGCTTTGTTGTGATCTAAGTGAAGTCTGCATTTTCTCTTTTTCTATTTTGGTTTTA-3'